The following is an entry in ClinVar:

ClinVar aggregate classification (germline): Uncertain significance (1 of 4 stars; one submission).

Conditions:
Combined deficiency of sialidase AND beta galactosidase (GSL). Also called: GOLDBERG SYNDROME; Galactosialidosis; NEURAMINIDASE DEFICIENCY WITH BETA-GALACTOSIDASE DEFICIENCY; NEURAMINIDASE/BETA-GALACTOSIDASE EXPRESSION; PPCA DEFICIENCY; PROTECTIVE PROTEIN/CATHEPSIN A DEFICIENCY. Identifiers: Orphanet 351, MedGen C0268233, MONDO:0009737, OMIM 256540.

Allele frequency attached by ClinVar (database versions not stated): gnomAD 0.00001; 1000 Genomes Project 30x 0.00016; 1000 Genomes Project 0.00020.
gnomAD v4.1: 4 of 1,575,252 alleles (0.00025%); highest among the groups gnomAD compares: East Asian, 0.0046%; no homozygotes.

Submission:

Labcorp Genetics (formerly Invitae), Labcorp
Classification: Uncertain significance for Combined deficiency of sialidase AND beta galactosidase. Last evaluated: 2025-03-31. Review status: criteria provided, single submitter. Criteria: Invitae Variant Classification Sherloc (09022015). Collection method: clinical testing. Allele origin: germline.
Comment: This sequence change replaces arginine, which is basic and polar, with cysteine, which is neutral and slightly polar, at codon 14 of the CTSA protein (p.Arg14Cys). This variant is not present in population databases (gnomAD no frequency). This variant has not been reported in the literature in individuals affected with CTSA-related conditions. ClinVar contains an entry for this variant (Variation ID: 1498732). An algorithm developed to predict the effect of missense changes on protein structure and function (PolyPhen-2) suggests that this variant is likely to be disruptive. In summary, the available evidence is currently insufficient to determine the role of this variant in disease. Therefore, it has been classified as a Variant of Uncertain Significance.

NM_000308.4(CTSA):c.-15C>T

Gene: CTSA (cathepsin A; plus strand). Cytogenetic location: 20q13.12.
Variant type: single nucleotide variant.
Coding change: c.-15C>T on transcript NM_000308.4 (MANE Select); 15 bases upstream of the start codon, C replaced by T.
Molecular consequence: 5 prime UTR variant. On other transcripts: non-coding transcript variant (1).
Genome position (GRCh38, 1-based): chr20:45,891,365, C>T. VCF-style: chr20-45891365-C-T. GRCh37 (hg19) VCF-style: chr20-44520004-C-T.
Other names: c.-61C>T (NM_001127695.3); c.-15C>T (NM_001167594.3).
Identifiers: ClinVar variation 1498732 (VCV001498732.6), dbSNP rs188792776, ClinGen allele CA315658346.